The following is an entry in ClinVar:

ClinVar aggregate classification (germline): Uncertain significance. Review status: criteria provided, multiple submitters, no conflicts (2 of 4 stars). 3 submissions from 3 submitters: Uncertain significance (3). Last evaluated 2022-11-10.

Conditions:
Inborn genetic diseases. Identifiers: MedGen C0950123, MeSH D030342.

Allele frequency attached by ClinVar (database versions not stated): gnomAD exomes below 0.00001; gnomAD 0.00001.

Submissions (3):

Ambry Genetics
Classification: Uncertain significance for Inborn genetic diseases. Last evaluated: 2022-11-10. Review status: criteria provided, single submitter. Criteria: Ambry Variant Classification Scheme 2023. Collection method: clinical testing. Allele origin: germline.

Women's Health and Genetics/Laboratory Corporation of America, LabCorp
Classification: Uncertain significance. Last evaluated: 2021-10-29. Review status: criteria provided, single submitter. Criteria: LabCorp Variant Classification Summary - May 2015. Collection method: clinical testing. Allele origin: germline.
Comment: Variant summary: IRF2BPL c.631C>G (p.Leu211Val) results in a conservative amino acid change in the encoded protein sequence. Three of five in-silico tools predict a benign effect of the variant on protein function. The variant allele was found at a frequency of 4.1e-06 in 244072 control chromosomes (gnomAD). The available data on variant occurrences in the general population are insufficient to allow any conclusion about variant significance. To our knowledge, no occurrence of c.631C>G in individuals affected with Neurodevelopmental Disorder With Regression, Abnormal Movements, Loss Of Speech, And Seizures and no experimental evidence demonstrating its impact on protein function have been reported. No clinical diagnostic laboratories have submitted clinical-significance assessments for this variant to ClinVar after 2014. Based on the evidence outlined above, the variant was classified as uncertain significance.

Breakthrough Genomics
Classification: Uncertain significance. Review status: criteria provided, single submitter. Criteria: ACMG Guidelines, 2015. Collection method: not provided. Allele origin: germline. Inheritance: Autosomal dominant inheritance. Affected: yes.

NM_024496.4(IRF2BPL):c.631C>G (p.Leu211Val)

Gene: IRF2BPL (interferon regulatory factor 2 binding protein like; minus strand). Cytogenetic location: 14q24.3.
Variant type: single nucleotide variant.
Coding change: c.631C>G on transcript NM_024496.4 (MANE Select); coding-DNA position 631, C replaced by G.
Protein change: p.Leu211Val; replaces leucine 211 with valine.
Molecular consequence: missense variant.
Genome position (GRCh38, 1-based): chr14:77,027,162, G>C on the plus strand (C>G on the coding strand, the complement: IRF2BPL is on the minus strand). VCF-style: chr14-77027162-G-C. GRCh37 (hg19) VCF-style: chr14-77493505-G-C.
Other names: c.631C>G (NM_024496.2); short protein forms L211V.
Identifiers: ClinVar variation 1321441 (VCV001321441.5), dbSNP rs1480750400, ClinGen allele CA390498949.